The following is an entry in ClinVar:

ClinVar aggregate classification (germline): Uncertain significance (1 of 4 stars; one submission).

Conditions:
Fanconi anemia (FA). Also called: Fanconi's anemia. Identifiers: Orphanet 84, MedGen C0015625, MeSH D005199, MONDO:0019391.

Allele frequency attached by ClinVar (database versions not stated): gnomAD exomes 0.00002; ExAC 0.00006; 1000 Genomes Project 30x 0.00016; 1000 Genomes Project 0.00020.
gnomAD v4.1: 32 of 1,614,176 alleles (0.002%); highest among the groups gnomAD compares: Non-Finnish European, 0.00034%; no homozygotes.

Submission:

Labcorp Genetics (formerly Invitae), Labcorp
Classification: Uncertain significance for Fanconi anemia. Last evaluated: 2023-12-06. Review status: criteria provided, single submitter. Criteria: Invitae Variant Classification Sherloc (09022015). Collection method: clinical testing. Allele origin: germline.
Comment: This sequence change replaces tyrosine, which is neutral and polar, with cysteine, which is neutral and slightly polar, at codon 1566 of the SLX4 protein (p.Tyr1566Cys). This variant is present in population databases (rs145145731, gnomAD 0.04%). This variant has not been reported in the literature in individuals affected with SLX4-related conditions. An algorithm developed to predict the effect of missense changes on protein structure and function (PolyPhen-2) suggests that this variant is likely to be disruptive. In summary, the available evidence is currently insufficient to determine the role of this variant in disease. Therefore, it has been classified as a Variant of Uncertain Significance.

NM_032444.4(SLX4):c.4697A>G (p.Tyr1566Cys)

Gene: SLX4 (SLX4 structure-specific endonuclease subunit; minus strand). Cytogenetic location: 16p13.3.
Variant type: single nucleotide variant.
Coding change: c.4697A>G on transcript NM_032444.4 (MANE Select); coding-DNA position 4697, A replaced by G.
Protein change: p.Tyr1566Cys; replaces tyrosine 1566 with cysteine.
Molecular consequence: missense variant.
Genome position (GRCh38, 1-based): chr16:3,584,811, T>C on the plus strand (A>G on the coding strand, the complement: SLX4 is on the minus strand). VCF-style: chr16-3584811-T-C. GRCh37 (hg19) VCF-style: chr16-3634812-T-C.
Other names: short protein forms Y1566C.
Identifiers: ClinVar variation 2718272 (VCV002718272.3), dbSNP rs145145731, ClinGen allele CA7865547.